The following is an entry in ClinVar:

ClinVar aggregate classification (germline): Likely benign. Review status: criteria provided, multiple submitters, no conflicts (2 of 4 stars). 2 submissions from 2 submitters: Likely benign (2). Last evaluated 2026-03-01.

Conditions:
Inborn genetic diseases. Identifiers: MedGen C0950123, MeSH D030342.

Allele frequency attached by ClinVar (database versions not stated): ExAC 0.00003; gnomAD 0.00011; TOPMed 0.00011; ESP Exome Variant Server 0.00015; gnomAD exomes 0.00018.
gnomAD v4.1: 290 of 1,613,628 alleles (0.018%); highest among the groups gnomAD compares: Non-Finnish European, 0.023%; no homozygotes.

Submissions (2):

CeGaT Center for Human Genetics Tuebingen
Classification: Likely benign. Last evaluated: 2026-03-01. Review status: criteria provided, single submitter. Criteria: CeGaT Center For Human Genetics Tuebingen Variant Classification Criteria Version 2. Collection method: clinical testing. Allele origin: germline. Affected: yes. Observed: 2 variant alleles.
Comment: CIC: BP4, BS2

Ambry Genetics
Classification: Likely benign for Inborn genetic diseases. Last evaluated: 2023-10-05. Review status: criteria provided, single submitter. Criteria: Ambry Variant Classification Scheme 2023. Collection method: clinical testing. Allele origin: germline.

NM_001386298.1(CIC):c.4585C>T (p.Pro1529Ser)

Gene: CIC (capicua transcriptional repressor; plus strand). Cytogenetic location: 19q13.2.
Variant type: single nucleotide variant.
Coding change: c.4585C>T on transcript NM_001386298.1 (MANE Select); coding-DNA position 4585, C replaced by T.
Protein change: p.Pro1529Ser; replaces proline 1529 with serine.
Molecular consequence: missense variant.
Genome position (GRCh38, 1-based): chr19:42,290,626, C>T. VCF-style: chr19-42290626-C-T. GRCh37 (hg19) VCF-style: chr19-42794778-C-T.
Other names: c.4585C>T, p.Pro1529Ser (NM_001304815.2, NM_001379480.1, NM_001379482.1 and 1 more transcripts); c.1858C>T, p.Pro620Ser (NM_001379484.1, NM_001379485.1, NM_015125.5); short protein forms P1529S, P620S.
Identifiers: ClinVar variation 3144963 (VCV003144963.9), dbSNP rs138450756, ClinGen allele CA9472122.